The following is an entry in ClinVar:

ClinVar aggregate classification (germline): Uncertain significance (1 of 4 stars; one submission).

Allele frequency attached by ClinVar (database versions not stated): gnomAD exomes below 0.00001; TOPMed below 0.00001.
gnomAD v4.1: 5 of 1,613,964 alleles (0.00031%); highest among the groups gnomAD compares: East Asian, 0.0022%; no homozygotes.

Submission:

Labcorp Genetics (formerly Invitae), Labcorp
Classification: Uncertain significance. Last evaluated: 2021-11-30. Review status: criteria provided, single submitter. Criteria: Invitae Variant Classification Sherloc (09022015). Collection method: clinical testing. Allele origin: germline.
Comment: This sequence change replaces arginine, which is basic and polar, with tryptophan, which is neutral and slightly polar, at codon 452 of the GPR179 protein (p.Arg452Trp). This variant is present in population databases (no rsID available, gnomAD 0.0009%). This variant has not been reported in the literature in individuals affected with GPR179-related conditions. Algorithms developed to predict the effect of missense changes on protein structure and function (SIFT, PolyPhen-2, Align-GVGD) all suggest that this variant is likely to be disruptive. In summary, the available evidence is currently insufficient to determine the role of this variant in disease. Therefore, it has been classified as a Variant of Uncertain Significance.

NM_001004334.4(GPR179):c.1354C>T (p.Arg452Trp)

Gene: GPR179 (G protein-coupled receptor 179; minus strand). Cytogenetic location: 17q12.
Variant type: single nucleotide variant.
Coding change: c.1354C>T on transcript NM_001004334.4 (MANE Select); coding-DNA position 1354, C replaced by T.
Protein change: p.Arg452Trp; replaces arginine 452 with tryptophan.
Molecular consequence: missense variant.
Genome position (GRCh38, 1-based): chr17:38,335,643, G>A on the plus strand (C>T on the coding strand, the complement: GPR179 is on the minus strand). VCF-style: chr17-38335643-G-A. GRCh37 (hg19) VCF-style: chr17-36491526-G-A.
Other names: short protein forms R452W.
Identifiers: ClinVar variation 1395786 (VCV001395786.6), dbSNP rs1397355177, ClinGen allele CA398887022.